The following is an entry in ClinVar:

NM_004370.6(COL12A1):c.9004C>T (p.Pro3002Ser)

Gene: COL12A1 (collagen type XII alpha 1 chain; minus strand). Cytogenetic location: 6q13.
Variant type: single nucleotide variant.
Coding change: c.9004C>T on transcript NM_004370.6 (MANE Select); coding-DNA position 9004, C replaced by T.
Protein change: p.Pro3002Ser; replaces proline 3002 with serine.
Molecular consequence: missense variant.
Genome position (GRCh38, 1-based): chr6:75,089,112, G>A on the plus strand (C>T on the coding strand, the complement: COL12A1 is on the minus strand). VCF-style: chr6-75089112-G-A. GRCh37 (hg19) VCF-style: chr6-75798828-G-A.
Other names: c.5512C>T, p.Pro1838Ser (NM_080645.3); short protein forms P1838S, P3002S.
Identifiers: ClinVar variation 1878716 (VCV001878716.6), dbSNP rs756855399, ClinGen allele CA364733312.

ClinVar aggregate classification (germline): Uncertain significance. Review status: criteria provided, multiple submitters, no conflicts (2 of 4 stars). 2 submissions from 2 submitters: Uncertain significance (2). Last evaluated 2023-05-27.

Conditions:
Ullrich congenital muscular dystrophy 2 (UCMD2). Identifiers: Orphanet 75840, MedGen C4225314, MONDO:0014654, OMIM 616470.
Bethlem myopathy 2 (BTHLM2). Identifiers: Orphanet 536516, Orphanet 610, MedGen C4225313, MONDO:0034022, OMIM 616471.

Allele frequency attached by ClinVar (database versions not stated): gnomAD exomes below 0.00001.
gnomAD v4.1: 1 of 1,610,648 alleles (0.000062%); highest among the groups gnomAD compares: Admixed American, 0.0017%; no homozygotes.

Submissions (2):

Labcorp Genetics (formerly Invitae), Labcorp
Classification: Uncertain significance for Bethlem myopathy 2; Ullrich congenital muscular dystrophy 2. Last evaluated: 2023-05-27. Review status: criteria provided, single submitter. Criteria: Invitae Variant Classification Sherloc (09022015). Collection method: clinical testing. Allele origin: germline.
Comment: This sequence change replaces proline, which is neutral and non-polar, with serine, which is neutral and polar, at codon 3002 of the COL12A1 protein (p.Pro3002Ser). This variant is not present in population databases (gnomAD no frequency). This variant has not been reported in the literature in individuals affected with COL12A1-related conditions. ClinVar contains an entry for this variant (Variation ID: 1878716). An algorithm developed to predict the effect of missense changes on protein structure and function (PolyPhen-2) suggests that this variant is likely to be tolerated. In summary, the available evidence is currently insufficient to determine the role of this variant in disease. Therefore, it has been classified as a Variant of Uncertain Significance.

GeneDx
Classification: Uncertain significance. Last evaluated: 2022-07-14. Review status: criteria provided, single submitter. Criteria: GeneDx Variant Classification Process June 2021. Collection method: clinical testing. Allele origin: germline. Affected: yes.
Comment: Not observed at significant frequency in large population cohorts (gnomAD); In silico analysis supports that this missense variant has a deleterious effect on protein structure/function; Has not been previously published as pathogenic or benign to our knowledge